The following is an entry in ClinVar:

NM_022173.4(TIA1):c.230A>G (p.Lys77Arg)

Gene: TIA1 (TIA1 cytotoxic granule associated RNA binding protein; minus strand). Cytogenetic location: 2p13.3.
Variant type: single nucleotide variant.
Coding change: c.230A>G on transcript NM_022173.4 (MANE Select); coding-DNA position 230, A replaced by G.
Protein change: p.Lys77Arg; replaces lysine 77 with arginine.
Molecular consequence: missense variant. On other transcripts: 5 prime UTR variant (4), non-coding transcript variant (17).
Genome position (GRCh38, 1-based): chr2:70,229,311, T>C on the plus strand (A>G on the coding strand, the complement: TIA1 is on the minus strand). VCF-style: chr2-70229311-T-C. GRCh37 (hg19) VCF-style: chr2-70456443-T-C.
Other names: c.230A>G, p.Lys77Arg (NM_001351519.2, NM_001351521.2, NM_001351522.2 and 5 more transcripts); c.236A>G, p.Lys79Arg (NM_001351520.2, NM_001351509.2); c.35A>G, p.Lys12Arg (NM_001351523.2, NM_001351514.2); c.-191A>G (NM_001351524.2); c.-224A>G (NM_001351525.2); c.119A>G, p.Lys40Arg (NM_001351511.1, NM_001351513.1); c.125A>G, p.Lys42Arg (NM_001351512.1); c.-160A>G (NM_001351515.2); and 1 more; short protein forms K12R, K40R, K42R, K77R, K79R.
Identifiers: ClinVar variation 1308252 (VCV001308252.6), dbSNP rs767523891, ClinGen allele CA1697681.

ClinVar aggregate classification (germline): Uncertain significance. Review status: criteria provided, multiple submitters, no conflicts (2 of 4 stars). 2 submissions from 2 submitters: Uncertain significance (2). Last evaluated 2026-01-01.

Allele frequency attached by ClinVar (database versions not stated): gnomAD exomes below 0.00001; ExAC 0.00001.
gnomAD v4.1: 12 of 1,607,654 alleles (0.00075%); highest among the groups gnomAD compares: Non-Finnish European, 0.00085%; no homozygotes.

Submissions (2):

CeGaT Center for Human Genetics Tuebingen
Classification: Uncertain significance. Last evaluated: 2026-01-01. Review status: criteria provided, single submitter. Criteria: CeGaT Center For Human Genetics Tuebingen Variant Classification Criteria Version 2. Collection method: clinical testing. Allele origin: germline. Affected: yes. Observed: 1 variant allele.
Comment: TIA1: PM2:Supporting

GeneDx
Classification: Uncertain significance. Last evaluated: 2019-03-26. Review status: criteria provided, single submitter. Criteria: GeneDx Variant Classification Process June 2021. Collection method: clinical testing. Allele origin: germline. Affected: yes.
Comment: Not observed at a significant frequency in large population cohorts (Lek et al., 2016); In silico analysis, which includes protein predictors and evolutionary conservation, supports that this variant does not alter protein structure/function; Has not been previously published as pathogenic or benign to our knowledge